The following is an entry in ClinVar:

NM_001261826.3(AP3D1):c.2786A>C (p.Lys929Thr)

Gene: AP3D1 (adaptor related protein complex 3 subunit delta 1; minus strand). Cytogenetic location: 19p13.3.
Variant type: single nucleotide variant.
Coding change: c.2786A>C on transcript NM_001261826.3 (MANE Select); coding-DNA position 2786, A replaced by C.
Protein change: p.Lys929Thr; replaces lysine 929 with threonine.
Molecular consequence: missense variant. On other transcripts: intron variant (1).
Genome position (GRCh38, 1-based): chr19:2,112,861, T>G on the plus strand (A>C on the coding strand, the complement: AP3D1 is on the minus strand). VCF-style: chr19-2112861-T-G. GRCh37 (hg19) VCF-style: chr19-2112860-T-G.
Other names: c.2750A>C, p.Lys917Thr (NM_001374799.1); c.2602-1033A>C (NM_003938.8); short protein forms K929T, K917T.
Identifiers: ClinVar variation 4710134 (VCV004710134.1).

ClinVar aggregate classification (germline): Uncertain significance (1 of 4 stars; one submission).

Submission:

Labcorp Genetics (formerly Invitae), Labcorp
Classification: Uncertain significance. Last evaluated: 2025-06-12. Review status: criteria provided, single submitter. Criteria: Invitae Variant Classification Sherloc (09022015). Collection method: clinical testing. Allele origin: germline.
Comment: This sequence change replaces lysine, which is basic and polar, with threonine, which is neutral and polar, at codon 929 of the AP3D1 protein (p.Lys929Thr). This variant is not present in population databases (gnomAD no frequency). This variant has not been reported in the literature in individuals affected with AP3D1-related conditions. An algorithm developed to predict the effect of missense changes on protein structure and function (PolyPhen-2) suggests that this variant is likely to be tolerated. In summary, the available evidence is currently insufficient to determine the role of this variant in disease. Therefore, it has been classified as a Variant of Uncertain Significance.